The following is an entry in ClinVar:

NM_001365088.1(SLC12A6):c.1591+102A>G

Gene: SLC12A6 (solute carrier family 12 member 6; minus strand). Cytogenetic location: 15q14.
Variant type: single nucleotide variant.
Coding change: c.1591+102A>G on transcript NM_001365088.1 (MANE Select); 102 bases into the intron after coding-DNA position 1591, A replaced by G.
Molecular consequence: intron variant.
Genome position (GRCh38, 1-based): chr15:34,250,529, T>C on the plus strand (A>G on the coding strand, the complement: SLC12A6 is on the minus strand). VCF-style: chr15-34250529-T-C. GRCh37 (hg19) VCF-style: chr15-34542730-T-C.
Other names: c.1414+102A>G (NM_001042495.2, NM_001042494.2); c.1564+102A>G (NM_001042496.2); c.1546+102A>G (NM_001042497.2); c.1591+102A>G (NM_133647.2); c.1438+102A>G (NM_005135.2).
Identifiers: ClinVar variation 670093 (VCV000670093.5), dbSNP rs61549125, ClinGen allele CA268638069.

ClinVar aggregate classification (germline): Benign. Review status: criteria provided, multiple submitters, no conflicts (2 of 4 stars). 3 submissions from 3 submitters: Benign (3). Last evaluated 2021-07-10.

Conditions:
Agenesis of the corpus callosum with peripheral neuropathy (ACCPN). Also called: CHARLEVOIX DISEASE; Hereditary Motor and Sensory Neuropathy with Agenesis of the Corpus Callosum; HMSN/ACC; POLYNEUROPATHY, SENSORIMOTOR, WITH OR WITHOUT AGENESIS OF THE CORPUS CALLOSUM. Identifiers: Orphanet 1496, MedGen C0795950, MONDO:0000902, OMIM 218000. Disease mechanism: loss of function.

Allele frequency attached by ClinVar (database versions not stated): gnomAD 0.09991 and 0.10509; TOPMed 0.11003; gnomAD exomes 0.11638; 1000 Genomes Project 30x 0.15678; 1000 Genomes Project 0.15974.
gnomAD v4.1: 96,585 of 844,148 alleles (11%); highest among the groups gnomAD compares: East Asian, 25%; 6,377 homozygotes.

Submissions (3):

Genome-Nilou Lab
Classification: Benign for Agenesis of the corpus callosum with peripheral neuropathy. Last evaluated: 2021-07-10. Review status: criteria provided, single submitter. Criteria: ACMG Guidelines, 2015. Collection method: clinical testing. Allele origin: germline. Affected: no.

GeneDx
Classification: Benign. Last evaluated: 2018-06-19. Review status: criteria provided, single submitter. Criteria: GeneDx Variant Classification (06012015). Collection method: clinical testing. Allele origin: germline. Affected: yes.
Comment: This variant is considered likely benign or benign based on one or more of the following criteria: it is a conservative change, it occurs at a poorly conserved position in the protein, it is predicted to be benign by multiple in silico algorithms, and/or has population frequency not consistent with disease.

Breakthrough Genomics
Classification: Benign. Review status: criteria provided, single submitter. Criteria: ACMG Guidelines, 2015. Collection method: not provided. Allele origin: germline. Inheritance: Autosomal recessive inheritance. Affected: yes.